The following is an entry in ClinVar:

ClinVar aggregate classification (germline): Pathogenic (1 of 4 stars; one submission).

Conditions:
Familial cancer of breast. Also called: Hereditary breast cancer; BREAST CANCER, FAMILIAL; hereditary breast carcinoma. Identifiers: Orphanet 227535, MedGen C0346153, MONDO:0016419, OMIM 114480. Disease mechanism: loss of function.

Submission:

Myriad Genetics, Inc.
Classification: Pathogenic for Familial cancer of breast. Last evaluated: 2023-05-25. Review status: criteria provided, single submitter. Criteria: Myriad Autosomal Dominant, Autosomal Recessive and X-Linked Classification Criteria (2023). Collection method: clinical testing. Allele origin: unknown.
Comment: This variant is considered pathogenic. This variant creates a frameshift predicted to result in premature protein truncation.

NM_000465.4(BARD1):c.2137_2141del (p.Val713fs)

Gene: BARD1 (BRCA1 associated RING domain 1; minus strand). Cytogenetic location: 2q35.
Variant type: Microsatellite.
Coding change: c.2137_2141del on transcript NM_000465.4 (MANE Select); coding-DNA positions 2137 to 2141, 5 bases deleted (GTGAC; older notation c.2137_2141delGTGAC).
Protein change: p.Val713fs; shifts the reading frame from valine 713.
Molecular consequence: frameshift variant. On other transcripts: non-coding transcript variant (3).
Genome position (GRCh38, 1-based): chr2:214,728,869-214,728,873, GTCAC deleted on the plus strand (GTGAC on the coding strand, the reverse complement: BARD1 is on the minus strand); deleting any 5 consecutive bases within chr2:214,728,869-214,728,878 gives the same sequence; the c. name uses the placement nearest the transcript's 3' end. VCF-style (leftmost placement, unchanged base first): chr2-214728868-AGTCAC-A. GRCh37 (hg19) VCF-style: chr2-215593592-AGTCAC-A.
Other names: c.2080_2084del, p.Val694fs (NM_001282543.2); c.784_788del, p.Val262fs (NM_001282545.2); c.727_731del, p.Val243fs (NM_001282548.2); c.598_602del, p.Val200fs (NM_001282549.2); short protein forms V200fs, V243fs, V262fs, V694fs, V713fs.
Identifiers: ClinVar variation 2583299 (VCV002583299.2), dbSNP rs2469269909, ClinGen allele CA2582342082.